The following is an entry in ClinVar:

NM_000264.5(PTCH1):c.3039C>A (p.Tyr1013Ter)

Gene: PTCH1 (patched 1; minus strand). Cytogenetic location: 9q22.32.
Variant type: single nucleotide variant.
Coding change: c.3039C>A on transcript NM_000264.5 (MANE Select); coding-DNA position 3039, C replaced by A.
Protein change: p.Tyr1013Ter; replaces tyrosine 1013 with a stop codon.
Molecular consequence: nonsense. On other transcripts: non-coding transcript variant (1).
Genome position (GRCh38, 1-based): chr9:95,458,142, G>T on the plus strand (C>A on the coding strand, the complement: PTCH1 is on the minus strand). VCF-style: chr9-95458142-G-T. GRCh37 (hg19) VCF-style: chr9-98220424-G-T.
Other names: c.2841C>A, p.Tyr947Ter (NM_001083602.3); c.3036C>A, p.Tyr1012Ter (NM_001083603.3); c.2586C>A, p.Tyr862Ter (NM_001083604.3, NM_001083605.3, NM_001083606.3 and 1 more transcripts); c.2883C>A, p.Tyr961Ter (NM_001354918.2); short protein forms Y961*, Y1012*, Y1013*, Y862*, Y947*.
Identifiers: ClinVar variation 860922 (VCV000860922.10), dbSNP rs779388970, ClinGen allele CA5138264.
Genomic context (GRCh38, chr9:95,458,142, plus strand): 5'-GCTGATGAACAGCAGCAGCCAGTGGCGGAGGCCGATGTACTGCTCCCAGAAGAGGAAGGG[G>T]TAGCCGTTGGGGTAACTGGACAGCCCCAGGCTCGTATAGTTGCTGCAGATGGTCCTTACT-3'

ClinVar aggregate classification (germline): Pathogenic (1 of 4 stars; one submission).

Conditions:
Gorlin syndrome. Also called: Nevoid Basal Cell Carcinoma Syndrome; Basal cell nevus syndrome. Identifiers: Orphanet 377, MedGen C0004779, MONDO:0007187.

Allele frequency attached by ClinVar (database versions not stated): ExAC 0.00032.

Submission:

Labcorp Genetics (formerly Invitae), Labcorp
Classification: Pathogenic for Gorlin syndrome. Last evaluated: 2019-01-24. Review status: criteria provided, single submitter. Criteria: Invitae Variant Classification Sherloc (09022015). Collection method: clinical testing. Allele origin: germline.
Comment: For these reasons, this variant has been classified as Pathogenic. Loss-of-function variants in PTCH1 are known to be pathogenic (PMID: 16301862, 16419085). This variant has been observed in an individual affected with naevoid basal cell carcinoma syndrome (PMID: 28733979). The frequency data for this variant in the population databases is considered unreliable, as metrics indicate poor data quality at this position in the ExAC database. This sequence change creates a premature translational stop signal (p.Tyr1013*) in the PTCH1 gene. It is expected to result in an absent or disrupted protein product.

Literature cited by the submitters: PubMed 16301862; PubMed 16419085; PubMed 28733979.